The following is an entry in ClinVar:

NM_003482.4(KMT2D):c.11783A>G (p.Gln3928Arg)

Gene: KMT2D (lysine methyltransferase 2D; minus strand). Cytogenetic location: 12q13.12.
Variant type: single nucleotide variant.
Coding change: c.11783A>G on transcript NM_003482.4 (MANE Select); coding-DNA position 11783, A replaced by G.
Protein change: p.Gln3928Arg; replaces glutamine 3928 with arginine.
Molecular consequence: missense variant.
Genome position (GRCh38, 1-based): chr12:49,032,922, T>C on the plus strand (A>G on the coding strand, the complement: KMT2D is on the minus strand). VCF-style: chr12-49032922-T-C. GRCh37 (hg19) VCF-style: chr12-49426705-T-C.
Other names: short protein forms Q3928R.
Identifiers: ClinVar variation 3367943 (VCV003367943.1).
Genomic context (GRCh38, chr12:49,032,922, plus strand): 5'-AGCTGTTGCTGCTGCTGTTGTTGAAGCTGCTGCTGCTGTTGCTGCTGTTGAAGCTGTTGC[T>C]GCTGAAGTTGCTGTTGCTGTTGTAGCTGCTGCTGCTGCTGCTGCTGAAGTTGCTGTTGCT-3'
Protein context (NP_003473.3, residues 3918-3938): QQLQQQQQLQ[Gln3928Arg]QQLQQQQQQQ

ClinVar aggregate classification (germline): Uncertain significance (1 of 4 stars; one submission).

Submission:

GeneDx
Classification: Uncertain significance. Last evaluated: 2024-01-22. Review status: criteria provided, single submitter. Criteria: GeneDx Variant Classification Process June 2021. Collection method: clinical testing. Allele origin: germline. Affected: yes.
Comment: Not observed at significant frequency in large population cohorts (gnomAD); In silico analysis supports that this missense variant does not alter protein structure/function; Has not been previously published as pathogenic or benign to our knowledge